The following is an entry in ClinVar:

NM_001242896.3(DEPDC5):c.3202G>C (p.Ala1068Pro)

Gene: DEPDC5 (DEP domain containing 5, GATOR1 subcomplex subunit; plus strand). Cytogenetic location: 22q12.3.
Variant type: single nucleotide variant.
Coding change: c.3202G>C on transcript NM_001242896.3 (MANE Select); coding-DNA position 3202, G replaced by C.
Protein change: p.Ala1068Pro; replaces alanine 1068 with proline.
Molecular consequence: missense variant. On other transcripts: non-coding transcript variant (5).
Genome position (GRCh38, 1-based): chr22:31,857,491, G>C. VCF-style: chr22-31857491-G-C. GRCh37 (hg19) VCF-style: chr22-32253477-G-C.
Other names: c.3175G>C, p.Ala1059Pro (NM_001136029.4, NM_001369903.1, NM_014662.6); c.2968G>C, p.Ala990Pro (NM_001242897.2, NM_001363854.2, NM_001364319.2); c.3202G>C, p.Ala1068Pro (NM_001363852.2, NM_001364318.2, NM_001364320.2); c.3118G>C, p.Ala1040Pro (NM_001369901.1, NM_001369902.1); short protein forms A1059P, A1040P, A990P, A1068P.
Identifiers: ClinVar variation 834771 (VCV000834771.9), dbSNP rs763158282, ClinGen allele CA411293780.

ClinVar aggregate classification (germline): Uncertain significance (1 of 4 stars; one submission).

Conditions:
Familial focal epilepsy with variable foci (FPEVF). Identifiers: Orphanet 98820, MedGen C1858477, MONDO:0020310.

gnomAD v4.1: 1 of 1,612,110 alleles (0.000062%); highest among the groups gnomAD compares: Middle Eastern, 0.017%; no homozygotes.

Submission:

Labcorp Genetics (formerly Invitae), Labcorp
Classification: Uncertain significance for Familial focal epilepsy with variable foci. Last evaluated: 2022-04-09. Review status: criteria provided, single submitter. Criteria: Invitae Variant Classification Sherloc (09022015). Collection method: clinical testing. Allele origin: germline.
Comment: In summary, the available evidence is currently insufficient to determine the role of this variant in disease. Therefore, it has been classified as a Variant of Uncertain Significance. Algorithms developed to predict the effect of missense changes on protein structure and function are either unavailable or do not agree on the potential impact of this missense change (SIFT: "Tolerated"; PolyPhen-2: "Not Available"; Align-GVGD: "Class C0"). ClinVar contains an entry for this variant (Variation ID: 834771). This variant has not been reported in the literature in individuals affected with DEPDC5-related conditions. This variant is not present in population databases (gnomAD no frequency). This sequence change replaces alanine, which is neutral and non-polar, with proline, which is neutral and non-polar, at codon 1068 of the DEPDC5 protein (p.Ala1068Pro).